The following is an entry in ClinVar:

NM_000551.4(VHL):c.529_546dup (p.Arg182_Ser183insArgLeuAspIleValArg)

Genes: VHL (von Hippel-Lindau tumor suppressor; plus strand), LOC107303340 (3p25 von Hippel-Lindau tumor suppressor, E3 ubiquitin protein ligase Alu-mediated recombination region; plus strand). Cytogenetic location: 3p25.3.
Variant type: Duplication.
Coding change: c.529_546dup on transcript NM_000551.4 (MANE Select); coding-DNA positions 529 to 546, 18 bases duplicated (AGACTGGACATCGTCAGG).
Protein change: p.Arg182_Ser183insArgLeuAspIleValArg.
Molecular consequence: inframe insertion. On other transcripts: 3 prime UTR variant (1), inframe indel (1).
Genome position (GRCh38, 1-based): chr3:10,149,852-10,149,869, AGACTGGACATCGTCAGG duplicated; duplicating any 18 consecutive bases within chr3:10,149,848-10,149,869 gives the same sequence; the c. name uses the placement nearest the transcript's 3' end. VCF-style (leftmost placement, unchanged base first): chr3-10149847-A-ACAGGAGACTGGACATCGT. GRCh37 (hg19) VCF-style: chr3-10191531-A-ACAGGAGACTGGACATCGT.
Other names: c.*83_*100dup (NM_001354723.2); c.406_423dup, p.Arg141_Ser142insArgLeuAspIleValArg (NM_198156.3); c.529_546dupAGACTGGACATCGTCAGG (NM_000551.3).
Identifiers: ClinVar variation 1746631 (VCV001746631.2), dbSNP rs2470170960, ClinGen allele CA2580068485.

ClinVar aggregate classification (germline): Uncertain significance (1 of 4 stars; one submission).

Conditions:
Hereditary cancer-predisposing syndrome. Also called: Hereditary Cancer Syndrome; Neoplastic Syndromes, Hereditary; Tumor predisposition; Hereditary neoplastic syndrome. Identifiers: Orphanet 140162, MedGen C0027672, MeSH D009386, MONDO:0015356.

Submission:

Ambry Genetics
Classification: Uncertain significance for Hereditary cancer-predisposing syndrome. Last evaluated: 2017-05-02. Review status: criteria provided, single submitter. Criteria: Ambry Variant Classification Scheme 2023. Collection method: clinical testing. Allele origin: germline.
Comment: The c.529_546dup18 variant (also known as p.R177_R182dup), located in coding exon 3 of the VHL gene, results from an in-frame duplication of 18 nucleotides at nucleotide positions 529 to 546. This results in the duplication of 6 extra residues (RLDIVR) between codons 177 and 182. Based on internal structural analysis, this alteration elongates a loop near the cullin-binding interface of VHL (Nguyen HC et al. Structure 2015 Mar;23(3):441-9; Ambry internal data); however, the effect of the alteration on cullin binding cannot not be accurately assessed at this time. This amino acid region is generally well conserved in available vertebrate species. Since supporting evidence is limited at this time, the clinical significance of this alteration remains unclear.